The following is an entry in ClinVar:

ClinVar aggregate classification (germline): Uncertain significance (1 of 4 stars; one submission).

Submission:

Medical Genetic Center, Changzhi Maternal and Child Health Care Hospital
Classification: Uncertain significance. Last evaluated: 2025-12-10. Review status: criteria provided, single submitter. Criteria: ACMG/ClinGen CNV Guidelines, 2019. Collection method: clinical testing. Allele origin: unknown.
Comment: 1A, NLRP3 partial duplication (NM_004895.5, exon 3-10)

GRCh38/hg38 1q44(chr1:247421061-248424512)x3

Genes: GCSAML (germinal center associated signaling and motility like; plus strand), GCSAML-AS1 (GCSAML antisense RNA 1; minus strand), NLRP3 (NLR family pyrin domain containing 3; plus strand), OR11L1 (olfactory receptor family 11 subfamily L member 1; minus strand), OR13G1 (olfactory receptor family 13 subfamily G member 1; minus strand) and 42 more. Cytogenetic location: 1q44.
Variant type: copy number gain.
Change: copy number 3 (three copies instead of two) of chr1:247,421,061-248,424,512 (1.00 Mb, GRCh38 coordinates, 1-based), cytogenetic band 1q44.
Identifiers: ClinVar variation 4796061 (VCV004796061.1).